The following is an entry in ClinVar:

NM_020812.4(DOCK6):c.4858A>T (p.Met1620Leu)

Genes: DOCK6 (dedicator of cytokinesis 6; minus strand), DOCK6-AS1 (DOCK6 antisense RNA 1; plus strand). Cytogenetic location: 19p13.2.
Variant type: single nucleotide variant.
Coding change: c.4858A>T on transcript NM_020812.4 (MANE Select); coding-DNA position 4858, A replaced by T.
Protein change: p.Met1620Leu; replaces methionine 1620 with leucine.
Molecular consequence: missense variant.
Genome position (GRCh38, 1-based): chr19:11,208,997, T>A on the plus strand (A>T on the coding strand, the complement: DOCK6 is on the minus strand). VCF-style: chr19-11208997-T-A. GRCh37 (hg19) VCF-style: chr19-11319673-T-A.
Other names: c.4963A>T, p.Met1655Leu (NM_001367830.1); short protein forms M1620L, M1655L.
Identifiers: ClinVar variation 1934876 (VCV001934876.5), dbSNP rs763993373, ClinGen allele CA404078134.
Genomic context (GRCh38, chr19:11,208,997, plus strand): 5'-GGTGGCGGTGGTCCTCGAGCAGGGCGAGGTACTCAGCCACGAGGGCGGCCGCGTGCACCA[T>A]GCACTGGGCGGCCTCGGCGTGGTTGCCCAGCTCCGCGTGCTTCCCGGCCATGTTCTGCAA-3'
Protein context (NP_065863.2, residues 1610-1630): LGNHAEAAQC[Met1620Leu]VHAAALVAEY

ClinVar aggregate classification (germline): Uncertain significance (1 of 4 stars; one submission).

Submission:

Labcorp Genetics (formerly Invitae), Labcorp
Classification: Uncertain significance. Last evaluated: 2022-05-24. Review status: criteria provided, single submitter. Criteria: Invitae Variant Classification Sherloc (09022015). Collection method: clinical testing. Allele origin: germline.
Comment: In summary, the available evidence is currently insufficient to determine the role of this variant in disease. Therefore, it has been classified as a Variant of Uncertain Significance. Algorithms developed to predict the effect of missense changes on protein structure and function output the following: SIFT: "Tolerated"; PolyPhen-2: "Benign"; Align-GVGD: "Class C0". The leucine amino acid residue is found in multiple mammalian species, which suggests that this missense change does not adversely affect protein function. This variant has not been reported in the literature in individuals affected with DOCK6-related conditions. This variant is not present in population databases (gnomAD no frequency). This sequence change replaces methionine, which is neutral and non-polar, with leucine, which is neutral and non-polar, at codon 1620 of the DOCK6 protein (p.Met1620Leu).